The following is an entry in ClinVar:

NM_198904.4(GABRG2):c.99C>T (p.Leu33=)

Gene: GABRG2 (gamma-aminobutyric acid type A receptor subunit gamma2; plus strand). Cytogenetic location: 5q34.
Variant type: single nucleotide variant.
Coding change: c.99C>T on transcript NM_198904.4 (MANE Select); coding-DNA position 99, C replaced by T.
Protein change: p.Leu33=; no amino-acid change (leucine 33 retained).
Molecular consequence: synonymous variant. On other transcripts: 5 prime UTR variant (3), intron variant (1).
Genome position (GRCh38, 1-based): chr5:162,068,098, C>T. VCF-style: chr5-162068098-C-T. GRCh37 (hg19) VCF-style: chr5-161495104-C-T.
Other names: c.99C>T, p.Leu33= (NM_000816.3, NM_001375339.1, NM_001375340.1 and 5 more transcripts); c.33C>T, p.Leu11= (NM_001375345.1, NM_001375346.1); c.-260C>T (NM_001375348.1, NM_001375350.1); c.-308C>T (NM_001375349.1); c.20+457C>T (NM_001375347.1).
Identifiers: ClinVar variation 391289 (VCV000391289.44), dbSNP rs368162707, ClinGen allele CA3544648.
Genomic context (GRCh38, chr5:162,068,098, plus strand): 5'-CTACTCGACTCCTGTATTTTCACAGAAAATGACGGTGTGGATTCTGCTCCTGCTGTCGCT[C>T]TACCCTGGGTAAGATGTGCCCTTTTTGGCGTCGTTTTGTTCTGAAGAGGTGGGGGGAAGG-3'
Protein context (NP_944494.1, residues 23-43): MTVWILLLLS[Leu33=]YPGFTSQKSD

ClinVar aggregate classification (germline): Likely benign. Review status: criteria provided, multiple submitters, no conflicts (2 of 4 stars). 3 submissions from 3 submitters: Likely benign (3). Last evaluated 2024-12-19.

Conditions:
Febrile seizures, familial, 8 (FEB8). Also called: CONVULSIONS, FAMILIAL FEBRILE, 8. Identifiers: Orphanet 36387, MedGen C1969810, MONDO:0011891, OMIM 607681.
EPILEPSY, CHILDHOOD ABSENCE, SUSCEPTIBILITY TO, 2 (ECA2). Identifiers: Orphanet 64280, MedGen C1843244, OMIM 607681.

Allele frequency attached by ClinVar (database versions not stated): ExAC 0.00001; gnomAD exomes 0.00001; TOPMed 0.00001; ESP Exome Variant Server 0.00008.
gnomAD v4.1: 21 of 1,611,806 alleles (0.0013%); highest among the groups gnomAD compares: Non-Finnish European, 0.0016%; no homozygotes.

Submissions (3):

Labcorp Genetics (formerly Invitae), Labcorp
Classification: Likely benign for Febrile seizures, familial, 8; EPILEPSY, CHILDHOOD ABSENCE, SUSCEPTIBILITY TO, 2. Last evaluated: 2024-12-19. Review status: criteria provided, single submitter. Criteria: Invitae Variant Classification Sherloc (09022015). Collection method: clinical testing. Allele origin: germline.

CeGaT Center for Human Genetics Tuebingen
Classification: Likely benign. Last evaluated: 2021-08-01. Review status: criteria provided, single submitter. Criteria: CeGaT Center For Human Genetics Tuebingen Variant Classification Criteria Version 2. Collection method: clinical testing. Allele origin: germline. Affected: yes. Observed: 1 variant allele.

GeneDx
Classification: Likely benign. Last evaluated: 2016-12-02. Review status: criteria provided, single submitter. Criteria: GeneDx Variant Classification (06012015). Collection method: clinical testing. Allele origin: germline. Affected: yes.
Comment: This variant is considered likely benign or benign based on one or more of the following criteria: it is a conservative change, it occurs at a poorly conserved position in the protein, it is predicted to be benign by multiple in silico algorithms, and/or has population frequency not consistent with disease.